The following is an entry in ClinVar:

NM_000535.7(PMS2):c.766G>A (p.Gly256Ser)

Gene: PMS2 (PMS1 homolog 2, mismatch repair system component; minus strand). Cytogenetic location: 7p22.1.
Variant type: single nucleotide variant.
Coding change: c.766G>A on transcript NM_000535.7 (MANE Select); coding-DNA position 766, G replaced by A.
Protein change: p.Gly256Ser; replaces glycine 256 with serine.
Molecular consequence: missense variant. On other transcripts: 5 prime UTR variant (2), non-coding transcript variant (1).
Genome position (GRCh38, 1-based): chr7:5,997,363, C>T on the plus strand (G>A on the coding strand, the complement: PMS2 is on the minus strand). VCF-style: chr7-5997363-C-T. GRCh37 (hg19) VCF-style: chr7-6036994-C-T.
Other names: c.361G>A, p.Gly121Ser (NM_001322003.2, NM_001322004.2, NM_001322005.2 and 2 more transcripts); c.766G>A, p.Gly256Ser (NM_001322006.2, NM_001322014.2); c.448G>A, p.Gly150Ser (NM_001322007.2, NM_001322008.2); c.-168G>A (NM_001322011.2, NM_001322012.2); c.193G>A, p.Gly65Ser (NM_001322013.2); c.457G>A, p.Gly153Ser (NM_001322015.2); short protein forms G256S, G121S, G150S, G153S, G65S.
Identifiers: ClinVar variation 142671 (VCV000142671.39), dbSNP rs587782633, ClinGen allele CA012773.
Genomic context (GRCh38, chr7:5,997,363, plus strand): 5'-TCTCTTGCCAGCAATCTACTTACTAAAAAAGATTATGCAGAGCATCGGAACAGCTCAAAC[C>T]GTACTCTTCACACACGGAGTCACTAGGGGGCAGCTGAACAAAAGGAATGAGGCTTTGCAA-3'
Protein context (NP_000526.2, residues 246-266): PPSDSVCEEY[Gly256Ser]LSCSDALHNL

ClinVar aggregate classification (germline): Conflicting classifications of pathogenicity. Review status: criteria provided, conflicting classifications (1 of 4 stars). 14 submissions from 14 submitters: Uncertain significance (12); Benign (1). 1 of the submissions does not count toward it. Last evaluated 2026-09-02.

Conditions:
PMS2-related disorder. Also called: PMS2-related condition.
Hereditary nonpolyposis colorectal neoplasms. Identifiers: MedGen C0009405, MeSH D003123.
Hereditary cancer-predisposing syndrome. Also called: Tumor predisposition; Neoplastic Syndromes, Hereditary; Hereditary neoplastic syndrome; Hereditary Cancer Syndrome. Identifiers: Orphanet 140162, MedGen C0027672, MeSH D009386, MONDO:0015356.
Lynch syndrome. Identifiers: Orphanet 144, MedGen C4552100, MONDO:0005835. Disease mechanism: loss of function.
Mismatch repair cancer syndrome 1 (MMRCS1). Also called: BRAIN TUMOR-POLYPOSIS SYNDROME 1; BTP1 SYNDROME; CHILDHOOD CANCER SYNDROME; MISMATCH REPAIR DEFICIENCY; MMR DEFICIENCY. Identifiers: Orphanet 252202, MedGen C5399763, MONDO:0010159, OMIM 276300. Disease mechanism: loss of function.
Lynch syndrome 4 (LYNCH4). Also called: Colorectal cancer, hereditary nonpolyposis, type 4; Hereditary non-polyposis colorectal cancer, type 4. Identifiers: Orphanet 144, MedGen C1838333, MONDO:0013699, OMIM 614337. Disease mechanism: loss of function.

Allele frequency attached by ClinVar (database versions not stated): ExAC 0.00002; gnomAD 0.00002; gnomAD exomes 0.00002; TOPMed 0.00004.
gnomAD v4.1: 60 of 1,603,976 alleles (0.0037%); highest among the groups gnomAD compares: Non-Finnish European, 0.0044%; no homozygotes.

Submissions (14):

PreventionGenetics, part of Exact Sciences
Classification: Uncertain significance for PMS2-related condition. Last evaluated: 2026-09-02. Review status: criteria provided, single submitter. Criteria: ACMG Guidelines, 2015. Collection method: clinical testing. Allele origin: germline.
Comment: The PMS2 c.766G>A variant is predicted to result in the amino acid substitution p.Gly256Ser. This variant has been reported in an individual with breast cancer (Table S3B, Dumont et al. 2022. PubMed ID: 35884425). This variant is reported in 0.0033% of alleles in individuals of South Asian descent in gnomAD and has conflicting interpretations in ClinVar ranging from benign to uncertain in ClinVar (Variation ID: 142671). At this time, the clinical significance of this variant is uncertain due to the absence of conclusive functional and genetic evidence.

Labcorp Genetics (formerly Invitae), Labcorp
Classification: Benign for Hereditary nonpolyposis colorectal neoplasms. Last evaluated: 2026-02-04. Review status: criteria provided, single submitter. Criteria: Invitae Variant Classification Sherloc (09022015). Collection method: clinical testing. Allele origin: germline.

Helix
Classification: Uncertain significance for Lynch syndrome 4. Last evaluated: 2025-09-25. Review status: criteria provided, single submitter. Criteria: ACMG Guidelines, 2015. Collection method: clinical testing. Allele origin: germline. Inheritance: Autosomal dominant inheritance.
Comment: This variant (NM_000535.7:c.766G>A p.Gly256Ser) results in the substitution of glycine with serine at codon 256 in the PMS2 protein. It is present in the gnomAD population database (v4.1) at the highest allele frequency in the European (non-Finnish) subpopulation among non-founder subpopulations (52/1171748 alleles, 0.0044%). To our knowledge, this variant has not been reported in individuals with PMS2-related conditions in the published literature. In silico prediction from the HCI Database of Prior Probabilities of Pathogenicity suggests that this variant may be benign. This variant is present in ClinVar (Accession: VCV000142671.35). In conclusion, since the available evidence is limited, the clinical significance of this variant is unclear at this time. Therefore, it is classified as a Variant of Uncertain Significance.

Quest Diagnostics Nichols Institute San Juan Capistrano
Classification: Uncertain significance. Last evaluated: 2025-05-08. Review status: criteria provided, single submitter. Criteria: Quest Diagnostics criteria. Collection method: clinical testing. Allele origin: unknown.
Comment: The PMS2 c.766G>A (p.Gly256Ser) variant has been reported in the published literature in an individual affected with an unspecified developmental disorder who also carried a pathogenic variant in the RET gene (PMID: 33057194 (2020)). The c.766G>A variant was also found in an individual affected with breast cancer (PMID: 35884425 (2022)) and in reportedly unaffected individuals in a large-scale breast cancer association study (PMID: 33471991 (2021), see also LOVD). The frequency of this variant in the general population (Genome Aggregation Database) is uninformative in the assessment of its pathogenicity. Analysis of this variant using bioinformatics tools for the prediction of the effect of amino acid changes on protein structure and function yielded conflicting predictions that this variant is benign or damaging. Based on the available information, we are unable to determine the clinical significance of this variant.

Ambry Genetics
Classification: Uncertain significance for Hereditary cancer-predisposing syndrome. Last evaluated: 2025-02-15. Review status: criteria provided, single submitter. Criteria: Ambry Variant Classification Scheme 2023. Collection method: clinical testing. Allele origin: germline.
Comment: The p.G256S variant (also known as c.766G>A), located in coding exon 7 of the PMS2 gene, results from a G to A substitution at nucleotide position 766. The glycine at codon 256 is replaced by serine, an amino acid with similar properties. This amino acid position is highly conserved in available vertebrate species. In addition, the in silico prediction for this alteration is inconclusive. Since supporting evidence is limited at this time, the clinical significance of this alteration remains unclear.

All of Us Research Program, National Institutes of Health
Classification: Uncertain significance for Lynch syndrome. Last evaluated: 2024-07-20. Review status: criteria provided, single submitter. Criteria: ACMG Guidelines, 2015. Collection method: clinical testing. Allele origin: germline. Inheritance: Autosomal dominant inheritance. Observed: 6 variant alleles, 6 heterozygotes.
Comment: This missense variant replaces glycine with serine at codon 256 of the PMS2 protein. Computational prediction tools and conservation analyses are inconclusive regarding the impact of this variant on the protein function. Computational splicing tools suggest that this variant may not impact RNA splicing. To our knowledge, functional assays have not been performed for this variant nor has this variant been reported in individuals affected with hereditary cancer in the literature. This variant has been identified in 6/282076 chromosomes in the general population by the Genome Aggregation Database (gnomAD). Available evidence is insufficient to determine the role of this variant in disease conclusively. Therefore, this variant is classified as a Variant of Uncertain Significance.

This study involves interpretation of variants in research participants for the purpose of population health screening. Participant phenotype was not available at the time of variant classification. Additional details can be found in publication PMID: 35346344, PMCID: PMC8962531

Color Diagnostics, LLC DBA Color Health
Classification: Uncertain significance for Hereditary cancer-predisposing syndrome. Last evaluated: 2024-06-05. Review status: criteria provided, single submitter. Criteria: ACMG Guidelines, 2015. Collection method: clinical testing. Allele origin: germline.
Comment: This missense variant replaces glycine with serine at codon 256 of the PMS2 protein. Computational prediction is inconclusive regarding the impact of this variant on protein structure and function (internally defined REVEL score threshold 0.5 < inconclusive < 0.7, PMID: 27666373). To our knowledge, functional studies have not been reported for this variant. This variant has not been reported in individuals affected with PMS2-related disorders in the literature. This variant has been identified in 6/282076 chromosomes in the general population by the Genome Aggregation Database (gnomAD). The available evidence is insufficient to determine the role of this variant in disease conclusively. Therefore, this variant is classified as a Variant of Uncertain Significance.

Baylor Genetics
Classification: Uncertain significance for Lynch syndrome 4. Last evaluated: 2023-10-06. Review status: criteria provided, single submitter. Criteria: ACMG Guidelines, 2015. Collection method: clinical testing. Allele origin: unknown.

GeneDx
Classification: Uncertain significance. Last evaluated: 2023-09-05. Review status: criteria provided, single submitter. Criteria: GeneDx Variant Classification Process June 2021. Collection method: clinical testing. Allele origin: germline. Affected: yes.
Comment: Not observed at significant frequency in large population cohorts (gnomAD); In silico analysis supports that this missense variant has a deleterious effect on protein structure/function; Has not been previously published as pathogenic or benign to our knowledge; This variant is associated with the following publications: (PMID: 11574484, 27997549)

Myriad Genetics, Inc.
Classification: Uncertain significance for Lynch syndrome 4. Last evaluated: 2023-04-04. Review status: criteria provided, single submitter. Criteria: Myriad Autosomal Dominant, Autosomal Recessive and X-Linked Classification Criteria (2023). Collection method: clinical testing. Allele origin: unknown.
Comment: This variant is classified as a variant of uncertain significance as there is insufficient evidence to determine its impact on protein function and/or cancer risk.

Sema4
Classification: Uncertain significance for Hereditary cancer-predisposing syndrome. Last evaluated: 2021-06-02. Review status: criteria provided, single submitter. Criteria: Sema4 Curation Guidelines. Collection method: curation. Allele origin: germline.
Comment: To the best of our knowledge, the PMS2 c.766G>A (p.G256S) variant has not been reported in individuals with Lynch syndrome-related disease. It was observed in 6/282076 chromosomes in the large and broad cohorts of the Genome Aggregation Database. The variant has been reported in ClinVar (Variation ID 142671). This variant involves a highly conserved amino acid, and computational analyses do not provide strong support for or against an impact to the protein, though these predictions have not been confirmed by published functional studies. The evidence is insufficient to meet ACMG/AMP criteria for classifying the variant as benign or pathogenic. Thus, the clinical significance of this variant is currently uncertain.

Fulgent Genetics
Classification: Uncertain significance for Mismatch repair cancer syndrome 1; Lynch syndrome 4. Last evaluated: 2018-10-31. Review status: criteria provided, single submitter. Criteria: ACMG Guidelines, 2015. Collection method: clinical testing. Allele origin: unknown.

Women's Health and Genetics/Laboratory Corporation of America, LabCorp
Classification: Uncertain significance. Last evaluated: 2016-11-10. Review status: criteria provided, single submitter. Criteria: LabCorp Variant Classification Summary - May 2015. Collection method: clinical testing. Allele origin: germline.
Comment: Variant summary: The c.766G>A (p.Gly256Ser) in PMS2 gene is a missense change that involves a mildly conserved nucleotide and 3/4 in silico tools predict deleterious outcome. The variant of interest is located within a region that has a high homology to C-terminal domain of DNA mismatch repair proteins. The functional impact of this missense change is yet to be studied. The variant is present in the large control population dataset of ExAC at a low frequency 0.000025 (3/120532 chrs tested). This frequency does not exceed the maximal expected frequency of a pathogenic allele (0.0001) in this gene. The variant has not been reported in the affected individuals via published reports, but it was cited as VUS by reputable databases/clinical laboratories. At this time there is not sufficient undeniable evidence to classify this variant with confidence. Taken together, the variant was classified as VUS until more data becomes available.

Counsyl
Classification: Uncertain significance for Lynch syndrome 4. Last evaluated: 2018-05-08. Review status: no assertion criteria provided. Collection method: clinical testing. Allele origin: unknown. Not counted in ClinVar's aggregate classification.

Literature cited by the submitters: PubMed 27997549 (cited by Quest Diagnostics Nichols Institute San Juan Capistrano); PubMed 33057194 (cited by Quest Diagnostics Nichols Institute San Juan Capistrano); PubMed 35884425 (cited by Quest Diagnostics Nichols Institute San Juan Capistrano); PubMed 33471991 (cited by Quest Diagnostics Nichols Institute San Juan Capistrano).